The following is an entry in ClinVar:

ClinVar aggregate classification (germline): Likely benign. Review status: criteria provided, multiple submitters, no conflicts (2 of 4 stars). 2 submissions from 2 submitters: Likely benign (2). Last evaluated 2026-06-22.

Conditions:
CLCN2-related disorder. Also called: CLCN2-related condition; CLCN2-related disorders.

Allele frequency attached by ClinVar (database versions not stated): gnomAD 0.00005; TOPMed 0.00006; ExAC 0.00007; 1000 Genomes Project 30x 0.00016; 1000 Genomes Project 0.00020.
gnomAD v4.1: 60 of 1,613,994 alleles (0.0037%); highest among the groups gnomAD compares: African/African-American, 0.02%; no homozygotes.

Submissions (2):

PreventionGenetics, part of Exact Sciences
Classification: Likely benign for CLCN2-related condition. Last evaluated: 2026-06-22. Review status: criteria provided, single submitter. Criteria: ACMG Guidelines, 2015. Collection method: clinical testing. Allele origin: germline.
Comment: This variant is classified as likely benign based on ACMG/AMP sequence variant interpretation guidelines (Richards et al. 2015 PMID: 25741868, with internal and published modifications).

Labcorp Genetics (formerly Invitae), Labcorp
Classification: Likely benign. Last evaluated: 2023-12-21. Review status: criteria provided, single submitter. Criteria: Invitae Variant Classification Sherloc (09022015). Collection method: clinical testing. Allele origin: germline.

NM_004366.6(CLCN2):c.2694A>G (p.Gln898=)

Gene: CLCN2 (chloride voltage-gated channel 2; minus strand). Cytogenetic location: 3q27.1.
Variant type: single nucleotide variant.
Coding change: c.2694A>G on transcript NM_004366.6 (MANE Select); coding-DNA position 2694, A replaced by G.
Protein change: p.Gln898=; no amino-acid change (glutamine 898 retained).
Molecular consequence: synonymous variant.
Genome position (GRCh38, 1-based): chr3:184,346,609, T>C on the plus strand (A>G on the coding strand, the complement: CLCN2 is on the minus strand). VCF-style: chr3-184346609-T-C. GRCh37 (hg19) VCF-style: chr3-184064397-T-C.
Other names: c.2643A>G, p.Gln881= (NM_001171087.3); c.2562A>G, p.Gln854= (NM_001171088.3); c.2607A>G, p.Gln869= (NM_001171089.3); c.2694A>G (NM_004366.5).
Identifiers: ClinVar variation 2042491 (VCV002042491.5), dbSNP rs539869928, ClinGen allele CA2733604.